The following is an entry in ClinVar:

ClinVar aggregate classification (germline): Uncertain significance (1 of 4 stars; one submission).

Conditions:
Inborn genetic diseases. Identifiers: MedGen C0950123, MeSH D030342.

Submission:

Ambry Genetics
Classification: Uncertain significance for Inborn genetic diseases. Last evaluated: 2025-10-16. Review status: criteria provided, single submitter. Criteria: Ambry Variant Classification Scheme 2023. Collection method: clinical testing. Allele origin: germline.
Comment: The p.E440K variant (also known as c.1318G>A), located in coding exon 13 of the DDX41 gene, results from a G to A substitution at nucleotide position 1318. The glutamic acid at codon 440 is replaced by lysine, an amino acid with similar properties. This amino acid position is conserved. In addition, the in silico prediction for this alteration is inconclusive. Based on the available evidence, the clinical significance of this variant remains unclear.

NM_016222.4(DDX41):c.1318G>A (p.Glu440Lys)

Gene: DDX41 (DEAD-box helicase 41; minus strand). Cytogenetic location: 5q35.3.
Variant type: single nucleotide variant.
Coding change: c.1318G>A on transcript NM_016222.4 (MANE Select); coding-DNA position 1318, G replaced by A.
Protein change: p.Glu440Lys; replaces glutamic acid 440 with lysine.
Molecular consequence: missense variant.
Genome position (GRCh38, 1-based): chr5:177,512,861, C>T on the plus strand (G>A on the coding strand, the complement: DDX41 is on the minus strand). VCF-style: chr5-177512861-C-T. GRCh37 (hg19) VCF-style: chr5-176939862-C-T.
Other names: c.940G>A, p.Glu314Lys (NM_001321732.2, NM_001321830.2); short protein forms E314K, E440K.
Identifiers: ClinVar variation 4617157 (VCV004617157.1).